The following is an entry in ClinVar:

ClinVar aggregate classification (germline): Uncertain significance (1 of 4 stars; one submission).

Conditions:
Inborn genetic diseases. Identifiers: MedGen C0950123, MeSH D030342.

gnomAD v4.1: 1 of 1,613,678 alleles (0.000062%); highest among the groups gnomAD compares: African/African-American, 0.0013%; no homozygotes.

Submission:

Ambry Genetics
Classification: Uncertain significance for Inborn genetic diseases. Last evaluated: 2026-08-15. Review status: criteria provided, single submitter. Criteria: Ambry Variant Classification Scheme 2023. Collection method: clinical testing. Allele origin: germline.
Comment: The p.D1626N variant (also known as c.4876G>A), located in coding exon 20 of the FANCM gene, results from a G to A substitution at nucleotide position 4876. The aspartic acid at codon 1626 is replaced by asparagine, an amino acid with highly similar properties. This amino acid position is conserved. In addition, this alteration is predicted to be tolerated by in silico analysis. Based on the available evidence, the clinical significance of this variant remains unclear.

NM_020937.4(FANCM):c.4876G>A (p.Asp1626Asn)

Gene: FANCM (FA complementation group M; plus strand). Cytogenetic location: 14q21.2.
Variant type: single nucleotide variant.
Coding change: c.4876G>A on transcript NM_020937.4 (MANE Select); coding-DNA position 4876, G replaced by A.
Protein change: p.Asp1626Asn; replaces aspartic acid 1626 with asparagine.
Molecular consequence: missense variant.
Genome position (GRCh38, 1-based): chr14:45,188,898, G>A. VCF-style: chr14-45188898-G-A. GRCh37 (hg19) VCF-style: chr14-45658101-G-A.
Other names: c.4798G>A, p.Asp1600Asn (NM_001308133.2); short protein forms D1600N, D1626N.
Identifiers: ClinVar variation 5021498 (VCV005021498.1).
Genomic context (GRCh38, chr14:45,188,898, plus strand): 5'-TTTTGTGTTGATGAAGAGGAGTCTTGCAAAGGCCAATCAAGTGAAGAAGAAGTTTGTGTT[G>A]ATTTTAACTTAATAACTGATGATTGCTTTGCAAATAGTAAAAAGTATAAAACTCGACGTG-3'
Protein context (NP_065988.1, residues 1616-1636): GQSSEEEVCV[Asp1626Asn]FNLITDDCFA